The following is an entry in ClinVar:

NM_001114753.3(ENG):c.1806C>T (p.Ile602=)

Gene: ENG (endoglin; minus strand). Cytogenetic location: 9q34.11.
Variant type: single nucleotide variant.
Coding change: c.1806C>T on transcript NM_001114753.3 (MANE Select); coding-DNA position 1806, C replaced by T.
Protein change: p.Ile602=; no amino-acid change (isoleucine 602 retained).
Molecular consequence: synonymous variant.
Genome position (GRCh38, 1-based): chr9:127,815,989, G>A on the plus strand (C>T on the coding strand, the complement: ENG is on the minus strand). VCF-style: chr9-127815989-G-A. GRCh37 (hg19) VCF-style: chr9-130578268-G-A.
Other names: c.1806C>T, p.Ile602= (NM_000118.4); c.1260C>T, p.Ile420= (NM_001278138.2).
Identifiers: ClinVar variation 365085 (VCV000365085.25), dbSNP rs373002544, ClinGen allele CA5252624.
Genomic context (GRCh38, chr9:127,815,989, plus strand): 5'-CCTGGGGTACTCACGCGTGTGCGAGTAGATGTACCAGAGTGCAGCAGTGAGCAGGGCCCC[G>A]ATGAGGAAGGCACCAAAGGTGATGCCCAGCACGGCGGGCAGGACGAGGCCTTTGCTTGTG-3'
Protein context (NP_001108225.1, residues 592-612): VLGITFGAFL[Ile602=]GALLTAALWY

ClinVar aggregate classification (germline): Likely benign. Review status: criteria provided, multiple submitters, no conflicts (2 of 4 stars). 3 submissions from 3 submitters: Likely benign (3). Last evaluated 2025-10-06.

Conditions:
Cardiovascular phenotype. Identifiers: MedGen CN230736.
Hereditary hemorrhagic telangiectasia (HHT). Also called: Osler hemorrhagic telangiectasia syndrome; ORW DISEASE; Osler Weber Rendu syndrome; OSLER-RENDU-WEBER DISEASE. Identifiers: Orphanet 774, MedGen C0039445, MONDO:0019180. Disease mechanism: loss of function.

Allele frequency attached by ClinVar (database versions not stated): TOPMed 0.00001; gnomAD 0.00002 and 0.00003; gnomAD exomes 0.00006 and 0.00010; ExAC 0.00009; ESP Exome Variant Server 0.00015.
gnomAD v4.1: 140 of 1,608,796 alleles (0.0087%); highest among the groups gnomAD compares: Non-Finnish European, 0.011%; 1 homozygote.

Submissions (3):

Labcorp Genetics (formerly Invitae), Labcorp
Classification: Likely benign for Hereditary hemorrhagic telangiectasia. Last evaluated: 2025-10-06. Review status: criteria provided, single submitter. Criteria: Invitae Variant Classification Sherloc (09022015). Collection method: clinical testing. Allele origin: germline.

CeGaT Center for Human Genetics Tuebingen
Classification: Likely benign. Last evaluated: 2025-07-01. Review status: criteria provided, single submitter. Criteria: CeGaT Center For Human Genetics Tuebingen Variant Classification Criteria Version 2. Collection method: clinical testing. Allele origin: germline. Affected: yes. Observed: 1 variant allele.
Comment: ENG: BP4, BP7

Ambry Genetics
Classification: Likely benign for Cardiovascular phenotype. Last evaluated: 2019-10-20. Review status: criteria provided, single submitter. Criteria: Ambry Variant Classification Scheme 2023. Collection method: clinical testing. Allele origin: germline.